The following is an entry in ClinVar:

NM_006502.3(POLH):c.210G>T (p.Lys70Asn)

Gene: POLH (DNA polymerase eta; plus strand). Cytogenetic location: 6p21.1.
Variant type: single nucleotide variant.
Coding change: c.210G>T on transcript NM_006502.3 (MANE Select); coding-DNA position 210, G replaced by T.
Protein change: p.Lys70Asn; replaces lysine 70 with asparagine.
Molecular consequence: missense variant.
Genome position (GRCh38, 1-based): chr6:43,583,079, G>T. VCF-style: chr6-43583079-G-T. GRCh37 (hg19) VCF-style: chr6-43550816-G-T.
Other names: c.56G>T, p.Ser19Ile (NM_001291969.2); c.210G>T, p.Lys70Asn (NM_001291970.2); short protein forms K70N, S19I.
Identifiers: ClinVar variation 1692929 (VCV001692929.2), dbSNP rs149295738, ClinGen allele CA3826906.
Genomic context (GRCh38, chr6:43,583,079, plus strand): 5'-GAGTTATGAAGCTCGTGCATTTGGAGTCACTAGAAGTATGTGGGCAGATGATGCTAAGAA[G>T]TTATGTCCAGATCTTCTACTGGCACAAGTTCGTGAGTCCCGTGGGAAAGCTAACCTCACC-3'
Protein context (NP_006493.1, residues 60-80): TRSMWADDAK[Lys70Asn]LCPDLLLAQV

ClinVar aggregate classification (germline): Uncertain significance. Review status: criteria provided, multiple submitters, no conflicts (2 of 4 stars). 2 submissions from 2 submitters: Uncertain significance (2). Last evaluated 2024-11-22.

Conditions:
Xeroderma pigmentosum (XP). Identifiers: Orphanet 910, MedGen C0043346, MONDO:0019600.
Inborn genetic diseases. Identifiers: MedGen C0950123, MeSH D030342.

Allele frequency attached by ClinVar (database versions not stated): TOPMed 0.00003; ExAC 0.00004; gnomAD 0.00004; gnomAD exomes 0.00007; ESP Exome Variant Server 0.00015.
gnomAD v4.1: 104 of 1,613,704 alleles (0.0064%); highest among the groups gnomAD compares: Non-Finnish European, 0.0084%; no homozygotes.

Submissions (2):

Ambry Genetics
Classification: Uncertain significance for Inborn genetic diseases. Last evaluated: 2024-11-22. Review status: criteria provided, single submitter. Criteria: Ambry Variant Classification Scheme 2023. Collection method: clinical testing. Allele origin: germline.

Sema4
Classification: Uncertain significance for Xeroderma pigmentosum. Last evaluated: 2021-04-30. Review status: criteria provided, single submitter. Criteria: Sema4 Curation Guidelines. Collection method: curation. Allele origin: germline.
Comment: The POLH c.210G>T (p.K70N) variant has not been reported in the literature to our knowledge. It was observed in 8/129146 chromosomes of the Non-Finnish European subpopulation in the large and broad cohorts of the Genome Aggregation Database (PMID: 32461654). The variant has not been reported in ClinVar. In silico tools suggest the impact of the variant on protein function is inconclusive, though these predictions have not been confirmed by functional studies. The evidence is insufficient to meet ACMG/AMP criteria for classifying the variant as benign or pathogenic. Thus, the clinical significance of this variant is currently uncertain.